The following is an entry in ClinVar:

NM_002734.5(PRKAR1A):c.675C>T (p.Gly225=)

Gene: PRKAR1A (protein kinase cAMP-dependent type I regulatory subunit alpha; plus strand). Cytogenetic location: 17q24.2.
Variant type: single nucleotide variant.
Coding change: c.675C>T on transcript NM_002734.5 (MANE Select); coding-DNA position 675, C replaced by T.
Protein change: p.Gly225=; no amino-acid change (glycine 225 retained).
Molecular consequence: synonymous variant.
Genome position (GRCh38, 1-based): chr17:68,525,879, C>T. VCF-style: chr17-68525879-C-T. GRCh37 (hg19) VCF-style: chr17-66522020-C-T.
Other names: p.Gly225=; c.675C>T, p.Gly225= (NM_001276289.2, NM_001276290.1, NM_001278433.2 and 4 more transcripts).
Identifiers: ClinVar variation 1755277 (VCV001755277.6), dbSNP rs150244650, ClinGen allele CA501527962.

ClinVar aggregate classification (germline): Likely benign. Review status: criteria provided, multiple submitters, no conflicts (2 of 4 stars). 3 submissions from 3 submitters: Likely benign (3). Last evaluated 2025-10-17.

Conditions:
Hereditary cancer-predisposing syndrome. Also called: Neoplastic Syndromes, Hereditary; Tumor predisposition; Hereditary Cancer Syndrome; Hereditary neoplastic syndrome. Identifiers: Orphanet 140162, MedGen C0027672, MeSH D009386, MONDO:0015356.
Carney complex, type 1 (CNC1). Also called: CARNEY MYXOMA-ENDOCRINE COMPLEX; CARNEY COMPLEX, TYPE I. Identifiers: Orphanet 1359, MedGen C2607929, MONDO:0008057, OMIM 160980.

gnomAD v4.1: 6 of 1,613,504 alleles (0.00037%); no homozygotes.

Submissions (3):

Mayo Clinic Laboratories, Mayo Clinic
Classification: Likely benign. Last evaluated: 2025-10-17. Review status: criteria provided, single submitter. Criteria: ACMG Guidelines, 2015. Collection method: clinical testing. Allele origin: germline. Observed: 1 variant allele.
Comment: BP4, BP7

Labcorp Genetics (formerly Invitae), Labcorp
Classification: Likely benign for Carney complex, type 1. Last evaluated: 2025-06-03. Review status: criteria provided, single submitter. Criteria: Invitae Variant Classification Sherloc (09022015). Collection method: clinical testing. Allele origin: germline.

Ambry Genetics
Classification: Likely benign for Hereditary cancer-predisposing syndrome. Last evaluated: 2021-07-16. Review status: criteria provided, single submitter. Criteria: Ambry Variant Classification Scheme 2023. Collection method: clinical testing. Allele origin: germline.